The following is an entry in ClinVar:

NM_000531.6(OTC):c.577T>C (p.Trp193Arg)

Gene: OTC (ornithine transcarbamylase; plus strand). Cytogenetic location: Xp11.4.
Variant type: single nucleotide variant.
Coding change: c.577T>C on transcript NM_000531.6 (MANE Select); coding-DNA position 577, T replaced by C.
Protein change: p.Trp193Arg; replaces tryptophan 193 with arginine.
Molecular consequence: missense variant.
Genome position (GRCh38, 1-based): chrX:38,403,654, T>C. VCF-style: chrX-38403654-T-C. GRCh37 (hg19) VCF-style: chrX-38262907-T-C.
Other names: short protein forms W193R.
Identifiers: ClinVar variation 97252 (VCV000097252.11), dbSNP rs67284661, ClinGen allele CA224684.

ClinVar aggregate classification (germline): Likely pathogenic. Review status: criteria provided, multiple submitters, no conflicts (2 of 4 stars). 3 submissions from 3 submitters: Likely pathogenic (2). 1 of the submissions does not count toward it. Last evaluated 2025-03-27.

Conditions:
Ornithine carbamoyltransferase deficiency (OTCD). Also called: ORNITHINE TRANSCARBAMYLASE DEFICIENCY, HYPERAMMONEMIA DUE TO; ORNITHINE TRANSCARBAMYLASE DEFICIENCY; OTC DEFICIENCY; Ornithine Carbamoyltransferase Deficiency Disease. Identifiers: Orphanet 664, MedGen C0268542, MONDO:0010703, OMIM 311250.

Submissions (3):

GeneDx
Classification: Likely pathogenic. Last evaluated: 2025-03-27. Review status: criteria provided, single submitter. Criteria: GeneDx Variant Classification Process June 2021. Collection method: clinical testing. Allele origin: germline. Affected: yes.
Comment: Published functional studies suggest a damaging effect on OTC activity (PMID: 37146589); Not observed at significant frequency in large population cohorts (gnomAD); In silico analysis supports that this missense variant has a deleterious effect on protein structure/function; This variant is associated with the following publications: (PMID: Micheloni2025[article], 28324312, 16786505, 17565723, 37146589)

Labcorp Genetics (formerly Invitae), Labcorp
Classification: Likely pathogenic for Ornithine carbamoyltransferase deficiency. Last evaluated: 2019-09-12. Review status: criteria provided, single submitter. Criteria: Invitae Variant Classification Sherloc (09022015). Collection method: clinical testing. Allele origin: germline.
Comment: In summary, the currently available evidence indicates that the variant is pathogenic, but additional data are needed to prove that conclusively. Therefore, this variant has been classified as Likely Pathogenic. This variant disrupts the p.Trp193 amino acid residue in OTC. Other variant(s) that disrupt this residue have been observed in individuals with OTC-related conditions (PMID: 16786505, 19138872, 12402347), which suggests that this may be a clinically significant amino acid residue. Algorithms developed to predict the effect of missense changes on protein structure and function are either unavailable or do not agree on the potential impact of this missense change (SIFT: "Deleterious"; PolyPhen-2: "Probably Damaging"; Align-GVGD: "Class C0"). This variant has been observed in individuals reportedly affected with ornithine transcarbamylase (OTC) deficiency (PMID: 16786505, 17565723). ClinVar contains an entry for this variant (Variation ID: 97252). This variant is not present in population databases (ExAC no frequency). This sequence change replaces tryptophan with arginine at codon 193 of the OTC protein (p.Trp193Arg). The tryptophan residue is highly conserved and there is a moderate physicochemical difference between tryptophan and arginine.

GenMed Metabolism Lab
Classification: Pathogenic. Review status: no assertion criteria provided. Collection method: not provided. Allele origin: unknown. Not counted in ClinVar's aggregate classification.
ClinVar note: Converted during submission from pathogenic to Pathogenic.

Literature cited by the submitters: PubMed 16786505 (cited by Labcorp Genetics (formerly Invitae), Labcorp); PubMed 19138872 (cited by Labcorp Genetics (formerly Invitae), Labcorp); PubMed 12402347 (cited by Labcorp Genetics (formerly Invitae), Labcorp); PubMed 17565723 (cited by Labcorp Genetics (formerly Invitae), Labcorp).